The following is an entry in ClinVar:

NM_001378778.1(MPDZ):c.1273_1274delinsTT (p.Gly425Leu)

Gene: MPDZ (multiple PDZ domain crumbs cell polarity complex component; minus strand). Cytogenetic location: 9p23.
Variant type: Indel.
Coding change: c.1273_1274delinsTT on transcript NM_001378778.1 (MANE Select); coding-DNA positions 1273 to 1274, GG replaced by TT.
Protein change: p.Gly425Leu; replaces glycine 425 with leucine.
Molecular consequence: missense variant.
Genome position (GRCh38, 1-based): chr9:13,216,790-13,216,791, CC replaced by AA on the plus strand (GG replaced by TT on the coding strand, the reverse complement: MPDZ is on the minus strand). VCF-style: chr9-13216790-CC-AA. GRCh37 (hg19) VCF-style: chr9-13216789-CC-AA.
Other names: c.1273_1274delinsTT, p.Gly425Leu (NM_001261406.2, NM_001261407.2, NM_001330637.2 and 14 more transcripts); short protein forms G425L.
Identifiers: ClinVar variation 2504882 (VCV002504882.1), dbSNP rs2497008456, ClinGen allele CA2580616156.

ClinVar aggregate classification (germline): Uncertain significance (1 of 4 stars; one submission).

Submission:

GeneDx
Classification: Uncertain significance. Last evaluated: 2022-12-04. Review status: criteria provided, single submitter. Criteria: GeneDx Variant Classification Process June 2021. Collection method: clinical testing. Allele origin: germline. Affected: yes.
Comment: Not observed at significant frequency in large population cohorts (gnomAD); In silico analysis supports a deleterious effect on protein structure/function; Has not been previously published as pathogenic or benign to our knowledge